The following is an entry in ClinVar:

ClinVar aggregate classification (germline): Uncertain significance. Review status: criteria provided, multiple submitters, no conflicts (2 of 4 stars). 4 submissions from 4 submitters: Uncertain significance (2). 2 of the submissions do not count toward it. Last evaluated 2025-10-22.

Conditions:
Inborn genetic diseases. Identifiers: MedGen C0950123, MeSH D030342.
Epidermolysis bullosa simplex 5B, with muscular dystrophy (EBS5B). Also called: Epidermolysis bullosa simplex with muscular dystrophy; EPIDERMOLYSIS BULLOSA SIMPLEX AND LIMB-GIRDLE MUSCULAR DYSTROPHY. Identifiers: Orphanet 257, MedGen C2931072, MONDO:0009181, OMIM 226670.
Epidermolysis bullosa simplex, Ogna type (EBS5A). Also called: Pidermolysis bullosa simplex 5A, Ogna type; EPIDERMOLYSIS BULLOSA SIMPLEX 5A, OGNA TYPE. Identifiers: Orphanet 79401, MedGen C0432317, MONDO:0007555, OMIM 131950.
Epidermolysis bullosa simplex 5C, with pyloric atresia (EBS5C). Also called: PLEC-Related Epidermolysis Bullosa with Pyloric Atresia; Epidermolysis bullosa simplex with pyloric atresia; PLEC1-Related Epidermolysis Bullosa with Pyloric Atresia. Identifiers: Orphanet 158684, MedGen C2677349, MONDO:0012807, OMIM 612138.
Autosomal recessive limb-girdle muscular dystrophy type 2Q (LGMDR17). Also called: MUSCULAR DYSTROPHY, LIMB-GIRDLE, AUTOSOMAL RECESSIVE 17. Identifiers: Orphanet 254361, MedGen C3150989, MONDO:0013390, OMIM 613723.
Epidermolysis bullosa simplex with nail dystrophy (EBS5D). Identifiers: MedGen C4225309, MONDO:0014661, OMIM 616487.

Allele frequency attached by ClinVar (database versions not stated): gnomAD 0.00001; ExAC 0.00003; TOPMed 0.00003; gnomAD exomes 0.00004 and 0.00007.
gnomAD v4.1: 98 of 1,566,908 alleles (0.0063%); highest among the groups gnomAD compares: Non-Finnish European, 0.0076%; no homozygotes.

Submissions (4):

Labcorp Genetics (formerly Invitae), Labcorp
Classification: Uncertain significance for Autosomal recessive limb-girdle muscular dystrophy type 2Q; Epidermolysis bullosa simplex, Ogna type; Epidermolysis bullosa simplex with nail dystrophy; Epidermolysis bullosa simplex 5C, with pyloric atresia; Epidermolysis bullosa simplex 5B, with muscular dystrophy. Last evaluated: 2025-10-22. Review status: criteria provided, single submitter. Criteria: Invitae Variant Classification Sherloc (09022015). Collection method: clinical testing. Allele origin: germline.
Comment: This sequence change replaces arginine, which is basic and polar, with glutamine, which is neutral and polar, at codon 1400 of the PLEC protein (p.Arg1400Gln). This variant is present in population databases (rs782128071, gnomAD 0.01%). This variant has not been reported in the literature in individuals affected with PLEC-related conditions. ClinVar contains an entry for this variant (Variation ID: 1006382). Invitae Evidence Modeling of protein sequence and biophysical properties (such as structural, functional, and spatial information, amino acid conservation, physicochemical variation, residue mobility, and thermodynamic stability) has been performed for this missense variant. However, the output from this modeling did not meet the statistical confidence thresholds required to predict the impact of this variant on PLEC protein function. In summary, the available evidence is currently insufficient to determine the role of this variant in disease. Therefore, it has been classified as a Variant of Uncertain Significance.

Ambry Genetics
Classification: Uncertain significance for Inborn genetic diseases. Last evaluated: 2022-10-26. Review status: criteria provided, single submitter. Criteria: Ambry Variant Classification Scheme 2023. Collection method: clinical testing. Allele origin: germline.

Clinical Genetics DNA and cytogenetics Diagnostics Lab, Erasmus MC, Erasmus Medical Center
Classification: Uncertain significance. Review status: no assertion criteria provided. Collection method: clinical testing. Allele origin: germline. Affected: yes. Study: VKGL Data-share Consensus. Not counted in ClinVar's aggregate classification.

Diagnostic Laboratory, Department of Genetics, University Medical Center Groningen
Classification: Uncertain significance. Review status: no assertion criteria provided. Collection method: clinical testing. Allele origin: germline. Affected: yes. Study: VKGL Data-share Consensus. Not counted in ClinVar's aggregate classification.

NM_201384.3(PLEC):c.4118G>A (p.Arg1373Gln)

Gene: PLEC (plectin; minus strand). Cytogenetic location: 8q24.3.
Variant type: single nucleotide variant.
Coding change: c.4118G>A on transcript NM_201384.3 (MANE Select); coding-DNA position 4118, G replaced by A.
Protein change: p.Arg1373Gln; replaces arginine 1373 with glutamine.
Molecular consequence: missense variant.
Genome position (GRCh38, 1-based): chr8:143,925,811, C>T on the plus strand (G>A on the coding strand, the complement: PLEC is on the minus strand). VCF-style: chr8-143925811-C-T. GRCh37 (hg19) VCF-style: chr8-144999979-C-T.
Other names: c.4199G>A (NM_000445.3); c.4118G>A, p.Arg1373Gln (NM_201382.4); c.4130G>A, p.Arg1377Gln (NM_201383.3); c.4199G>A, p.Arg1400Gln (NM_000445.5); c.4076G>A, p.Arg1359Gln (NM_201378.4); c.4052G>A, p.Arg1351Gln (NM_201379.3); c.4529G>A, p.Arg1510Gln (NM_201380.4); c.4022G>A, p.Arg1341Gln (NM_201381.3); short protein forms R1341Q, R1351Q, R1359Q, R1373Q, R1377Q, R1400Q, R1510Q.
Identifiers: ClinVar variation 1006382 (VCV001006382.8), dbSNP rs782128071, ClinGen allele CA4926763.
Genomic context (GRCh38, chr8:143,925,811, plus strand): 5'-AGCTCCTTCGCCTCCCGCTCCGCCTGTGCCTTTGCCTGGGCGTGCGCCTCGGCCAGCTGC[C>T]GCTGCTTCTCCAGCGCGGCCTCCACCTCGGCCAGCCGCTCGCGCTCCTCTGCCCGCTGCT-3'
Protein context (NP_958786.1, residues 1363-1383): AEVEAALEKQ[Arg1373Gln]QLAEAHAQAK